The following is an entry in ClinVar:

ClinVar aggregate classification (germline): Uncertain significance. Review status: criteria provided, multiple submitters, no conflicts (2 of 4 stars). 7 submissions from 6 submitters: Uncertain significance (7). Last evaluated 2026-06-18.

Conditions:
Cardiovascular phenotype. Identifiers: MedGen CN230736.
Arrhythmogenic right ventricular cardiomyopathy (ARVD). Also called: Cardiomyopathy, ARVC; Arrhythmogenic right ventricular dysplasia; Arrhythmogenic Right Ventricular Cardiomyopathy (ARVC); Arrhythmogenic cardiomyopathy. Identifiers: Orphanet 247, MedGen C0349788, MeSH D019571, MONDO:0016587. Disease mechanism: loss of function. Inheritance: Various modes of inheritance.
Cardiomyopathy (CMYO). Also called: Cardiomyopathies. Identifiers: Orphanet 167848, MedGen C0878544, MONDO:0004994, HP:0001638. Inheritance: Various modes of inheritance.
Familial isolated arrhythmogenic right ventricular dysplasia. Identifiers: Orphanet 217656, MedGen C4274968, MONDO:0016342.
Arrhythmogenic right ventricular dysplasia 11. Also called: Arrhythmogenic right ventricular dysplasia 11 with mild palmoplantar keratoderma and woolly hair; Arrhythmogenic Right Ventricular Dysplasia/Cardiomyopathy11; ARRHYTHMOGENIC RIGHT VENTRICULAR DYSPLASIA, FAMILIAL, 11. Identifiers: MedGen C1864850, MONDO:0012506, OMIM 610476.

Allele frequency attached by ClinVar (database versions not stated): gnomAD exomes below 0.00001 and 0.00001.
gnomAD v4.1: 4 of 1,614,004 alleles (0.00025%); highest among the groups gnomAD compares: Non-Finnish European, 0.00034%; no homozygotes.

Submissions (7):

Ambry Genetics
Classification: Uncertain significance for Cardiovascular phenotype. Last evaluated: 2026-06-18. Review status: criteria provided, single submitter. Criteria: Ambry Variant Classification Scheme 2023. Collection method: clinical testing. Allele origin: germline.
Comment: The p.N573D variant (also known as c.1717A>G), located in coding exon 12 of the DSC2 gene, results from an A to G substitution at nucleotide position 1717. The asparagine at codon 573 is replaced by aspartic acid, an amino acid with highly similar properties. This amino acid position is conserved. In addition, this alteration is predicted to be tolerated by in silico analysis. Based on the available evidence, the clinical significance of this variant remains unclear.

Labcorp Genetics (formerly Invitae), Labcorp
Classification: Uncertain significance for Arrhythmogenic right ventricular dysplasia 11. Last evaluated: 2025-12-24. Review status: criteria provided, single submitter. Criteria: Invitae Variant Classification Sherloc (09022015). Collection method: clinical testing. Allele origin: germline.
Comment: This sequence change replaces asparagine, which is neutral and polar, with aspartic acid, which is acidic and polar, at codon 573 of the DSC2 protein (p.Asn573Asp). This variant is present in population databases (no rsID available, gnomAD 0.0009%). This variant has not been reported in the literature in individuals affected with DSC2-related conditions. ClinVar contains an entry for this variant (Variation ID: 373989). Invitae Evidence Modeling of protein sequence and biophysical properties (such as structural, functional, and spatial information, amino acid conservation, physicochemical variation, residue mobility, and thermodynamic stability) has been performed for this missense variant. However, the output from this modeling did not meet the statistical confidence thresholds required to predict the impact of this variant on DSC2 protein function. In summary, the available evidence is currently insufficient to determine the role of this variant in disease. Therefore, it has been classified as a Variant of Uncertain Significance.

Color Diagnostics, LLC DBA Color Health
Classification: Uncertain significance for Cardiomyopathy. Last evaluated: 2024-03-06. Review status: criteria provided, single submitter. Criteria: ACMG Guidelines, 2015. Collection method: clinical testing. Allele origin: germline.
Comment: This missense variant replaces asparagine with aspartic acid at codon 573 of the DSC2 protein. Computational prediction suggests that this variant may not impact protein structure and function (internally defined REVEL score threshold <= 0.5, PMID: 27666373). To our knowledge, functional studies have not been reported for this variant. This variant has not been reported in individuals affected with cardiovascular disorders in the literature. This variant has been identified in 1/250996 chromosomes in the general population by the Genome Aggregation Database (gnomAD). The available evidence is insufficient to determine the role of this variant in disease conclusively. Therefore, this variant is classified as a Variant of Uncertain Significance.

All of Us Research Program, National Institutes of Health
Classification: Uncertain significance for Familial isolated arrhythmogenic right ventricular dysplasia. Last evaluated: 2024-02-22. Review status: criteria provided, single submitter. Criteria: ACMG Guidelines, 2015. Collection method: clinical testing. Allele origin: germline. Inheritance: Autosomal dominant inheritance. Observed: 1 variant allele, 1 heterozygote.
Comment: This missense variant replaces asparagine with aspartic acid at codon 573 of the DSC2 protein. Computational prediction suggests that this variant may not impact protein structure and function (internally defined REVEL score threshold <= 0.5, PMID: 27666373). To our knowledge, functional studies have not been reported for this variant. This variant has not been reported in individuals affected with cardiovascular disorders in the literature. This variant has been identified in 1/250996 chromosomes in the general population by the Genome Aggregation Database (gnomAD). The available evidence is insufficient to determine the role of this variant in disease conclusively. Therefore, this variant is classified as a Variant of Uncertain Significance.

This study involves interpretation of variants in research participants for the purpose of population health screening. Participant phenotype was not available at the time of variant classification. Additional details can be found in publication PMID: 35346344, PMCID: PMC8962531

Victorian Clinical Genetics Services, Murdoch Childrens Research Institute
Classification: Uncertain significance for Arrhythmogenic right ventricular dysplasia 11. Last evaluated: 2023-07-17. Review status: criteria provided, single submitter. Criteria: ACMG Guidelines, 2015. Collection method: clinical testing. Allele origin: germline. Inheritance: Autosomal dominant inheritance. Affected: yes.
Comment: Based on the classification scheme VCGS_Germline_v1.3.4, this variant is classified as VUS-3B. Following criteria are met: 0102 - Loss of function is a known mechanism of disease in this gene and is associated with arrhythmogenic right ventricular dysplasia 11 with or without mild palmoplantar keratoderma and woolly hair (MIM#610476). (I) 0108 - This gene is associated with both recessive and dominant disease (OMIM). (I) 0200 - Variant is predicted to result in a missense amino acid change from asparagine to aspartic acid. (I) 0251 - This variant is heterozygous. (I) 0304 - Variant is present in gnomAD <0.01 (v2: 1 heterozygote, 0 homozygotes). (SP) 0502 - Missense variant with conflicting in silico predictions and high conservation. (I) 0604 - Variant is not located in an established domain, motif, hotspot or informative constraint region. (I) 0705 - No comparable missense variants have previous evidence for pathogenicity. (I) 0809 - Previous evidence of pathogenicity for this variant is inconclusive. This variant has been reported as a VUS by two clinical testing laboratories (ClinVar). (I) 0905 - No published segregation evidence has been identified for this variant. (I) 1007 - No published functional evidence has been identified for this variant. (I) 1208 - Inheritance information for this variant is not currently available in this individual. (I) Legend: (SP) - Supporting pathogenic, (I) - Information, (SB) - Supporting benign

Centre for Mendelian Genomics, University Medical Centre Ljubljana
Classification: Uncertain significance for Arrhythmogenic right ventricular dysplasia 11. Last evaluated: 2016-01-01. Review status: criteria provided, single submitter. Criteria: ACMG Guidelines, 2015. Collection method: clinical testing. Allele origin: unknown. Affected: yes.
Comment: This variant was classified as: Uncertain significance.

Centre for Mendelian Genomics, University Medical Centre Ljubljana
Classification: Uncertain significance for Arrhythmogenic right ventricular dysplasia. Last evaluated: 2015-11-18. Review status: criteria provided, single submitter. Criteria: ACMG Guidelines, 2015. Collection method: clinical testing. Allele origin: unknown. Affected: yes.

NM_024422.6(DSC2):c.1717A>G (p.Asn573Asp)

Gene: DSC2 (desmocollin 2; minus strand). Cytogenetic location: 18q12.1.
Variant type: single nucleotide variant.
Coding change: c.1717A>G on transcript NM_024422.6 (MANE Select); coding-DNA position 1717, A replaced by G.
Protein change: p.Asn573Asp; replaces asparagine 573 with aspartic acid.
Molecular consequence: missense variant.
Genome position (GRCh38, 1-based): chr18:31,074,854, T>C on the plus strand (A>G on the coding strand, the complement: DSC2 is on the minus strand). VCF-style: chr18-31074854-T-C. GRCh37 (hg19) VCF-style: chr18-28654820-T-C.
Other names: c.1717A>G, p.Asn573Asp (NM_004949.5); c.1717A>G (NM_024422.4); short protein forms N573D.
Identifiers: ClinVar variation 373989 (VCV000373989.16), dbSNP rs1057518818, ClinGen allele CA16043540.